The following is an entry in ClinVar:

ClinVar aggregate classification (germline): Uncertain significance. Review status: criteria provided, multiple submitters, no conflicts (2 of 4 stars). 3 submissions from 3 submitters: Uncertain significance (3). Last evaluated 2025-06-20.

Conditions:
Myofibrillar myopathy 5. Also called: FILAMINOPATHY, AUTOSOMAL DOMINANT; Filaminopathy (type). Identifiers: Orphanet 171445, MedGen C1836050, MONDO:0012289, OMIM 609524.
Distal myopathy with posterior leg and anterior hand involvement. Also called: WILLIAMS DISTAL MYOPATHY. Identifiers: Orphanet 63273, MedGen C3279722, MONDO:0013550, OMIM 614065.
Hypertrophic cardiomyopathy 26. Also called: Cardiomyopathy, familial hypertrophic, 26. Identifiers: Orphanet 75249, MedGen C4310749, MONDO:0014883, OMIM 617047.

Allele frequency attached by ClinVar (database versions not stated): gnomAD exomes 0.00001; ExAC 0.00003.
gnomAD v4.1: 4 of 1,610,692 alleles (0.00025%); highest among the groups gnomAD compares: Non-Finnish European, 0.00017%; no homozygotes.

Submissions (3):

Mayo Clinic Laboratories, Mayo Clinic
Classification: Uncertain significance. Last evaluated: 2025-06-20. Review status: criteria provided, single submitter. Criteria: ACMG Guidelines, 2015. Collection method: clinical testing. Allele origin: germline. Observed: 1 variant allele.
Comment: PM2_supporting

Labcorp Genetics (formerly Invitae), Labcorp
Classification: Uncertain significance for Distal myopathy with posterior leg and anterior hand involvement; Myofibrillar myopathy 5; Hypertrophic cardiomyopathy 26. Last evaluated: 2023-12-25. Review status: criteria provided, single submitter. Criteria: Invitae Variant Classification Sherloc (09022015). Collection method: clinical testing. Allele origin: germline.
Comment: This sequence change replaces leucine, which is neutral and non-polar, with glutamine, which is neutral and polar, at codon 2226 of the FLNC protein (p.Leu2226Gln). This variant is present in population databases (rs759774566, gnomAD 0.003%). This variant has not been reported in the literature in individuals affected with FLNC-related conditions. ClinVar contains an entry for this variant (Variation ID: 2113657). An algorithm developed to predict the effect of missense changes on protein structure and function (PolyPhen-2) suggests that this variant is likely to be tolerated. In summary, the available evidence is currently insufficient to determine the role of this variant in disease. Therefore, it has been classified as a Variant of Uncertain Significance.

Blueprint Genetics
Classification: Uncertain significance. Last evaluated: 2021-12-09. Review status: criteria provided, single submitter. Criteria: ACMG Guidelines, 2015. Collection method: clinical testing. Allele origin: germline.

NM_001458.5(FLNC):c.6677T>A (p.Leu2226Gln)

Genes: FLNC (filamin C; plus strand), FLNC-AS1 (FLNC antisense RNA 1; minus strand). Cytogenetic location: 7q32.1.
Variant type: single nucleotide variant.
Coding change: c.6677T>A on transcript NM_001458.5 (MANE Select); coding-DNA position 6677, T replaced by A.
Protein change: p.Leu2226Gln; replaces leucine 2226 with glutamine.
Molecular consequence: missense variant.
Genome position (GRCh38, 1-based): chr7:128,854,166, T>A. VCF-style: chr7-128854166-T-A. GRCh37 (hg19) VCF-style: chr7-128494220-T-A.
Other names: p.Leu2226Gln; c.6578T>A, p.Leu2193Gln (NM_001127487.2); short protein forms L2226Q, L2193Q.
Identifiers: ClinVar variation 2113657 (VCV002113657.6), dbSNP rs759774566, ClinGen allele CA4476044.